The following is an entry in ClinVar:

NM_022167.4(XYLT2):c.2185G>C (p.Val729Leu)

Gene: XYLT2 (xylosyltransferase 2; plus strand). Cytogenetic location: 17q21.33.
Variant type: single nucleotide variant.
Coding change: c.2185G>C on transcript NM_022167.4 (MANE Select); coding-DNA position 2185, G replaced by C.
Protein change: p.Val729Leu; replaces valine 729 with leucine.
Molecular consequence: missense variant.
Genome position (GRCh38, 1-based): chr17:50,358,450, G>C. VCF-style: chr17-50358450-G-C. GRCh37 (hg19) VCF-style: chr17-48435811-G-C.
Other names: short protein forms V729L.
Identifiers: ClinVar variation 1391994 (VCV001391994.6), dbSNP rs1163244585, ClinGen allele CA400214028.
Genomic context (GRCh38, chr17:50,358,450, plus strand): 5'-ACTGAGGTCACGCAATACAAGCCCCCACTGAGCCGGCCCCTGCGGCCAGGGCCCTGGACT[G>C]TTCGACTCCTTCAGTTCTGGGAACCGCTGGGTGAGACCCGCTTCCTTGTGCTGCCCTTGA-3'
Protein context (NP_071450.2, residues 719-739): SRPLRPGPWT[Val729Leu]RLLQFWEPLG

ClinVar aggregate classification (germline): Uncertain significance. Review status: criteria provided, multiple submitters, no conflicts (2 of 4 stars). 2 submissions from 2 submitters: Uncertain significance (2). Last evaluated 2025-05-29.

Conditions:
Inborn genetic diseases. Identifiers: MedGen C0950123, MeSH D030342.

gnomAD v4.1: 13 of 1,614,178 alleles (0.00081%); highest among the groups gnomAD compares: African/African-American, 0.0067%; 1 homozygote.

Submissions (2):

Ambry Genetics
Classification: Uncertain significance for Inborn genetic diseases. Last evaluated: 2025-05-29. Review status: criteria provided, single submitter. Criteria: Ambry Variant Classification Scheme 2023. Collection method: clinical testing. Allele origin: germline.

Labcorp Genetics (formerly Invitae), Labcorp
Classification: Uncertain significance. Last evaluated: 2022-09-27. Review status: criteria provided, single submitter. Criteria: Invitae Variant Classification Sherloc (09022015). Collection method: clinical testing. Allele origin: germline.
Comment: This sequence change replaces valine, which is neutral and non-polar, with leucine, which is neutral and non-polar, at codon 729 of the XYLT2 protein (p.Val729Leu). This variant is not present in population databases (gnomAD no frequency). This variant has not been reported in the literature in individuals affected with XYLT2-related conditions. ClinVar contains an entry for this variant (Variation ID: 1391994). Advanced modeling of protein sequence and biophysical properties (such as structural, functional, and spatial information, amino acid conservation, physicochemical variation, residue mobility, and thermodynamic stability) performed at Invitae indicates that this missense variant is not expected to disrupt XYLT2 protein function. In summary, the available evidence is currently insufficient to determine the role of this variant in disease. Therefore, it has been classified as a Variant of Uncertain Significance.